The following is an entry in ClinVar:

ClinVar aggregate classification (germline): Uncertain significance. Review status: criteria provided, multiple submitters, no conflicts (2 of 4 stars). 2 submissions from 2 submitters: Uncertain significance (2). Last evaluated 2025-08-20.

Conditions:
Hereditary cancer-predisposing syndrome. Also called: Hereditary neoplastic syndrome; Tumor predisposition; Neoplastic Syndromes, Hereditary; Hereditary Cancer Syndrome. Identifiers: Orphanet 140162, MedGen C0027672, MeSH D009386, MONDO:0015356.

Submissions (2):

Color Diagnostics, LLC DBA Color Health
Classification: Uncertain significance for Hereditary cancer-predisposing syndrome. Last evaluated: 2025-08-20. Review status: criteria provided, single submitter. Criteria: ACMG Guidelines, 2015. Collection method: clinical testing. Allele origin: germline.
Comment: This variant causes an in-frame deletion of 2 amino acids at positions 227 and 228 of the MSH6 protein. To our knowledge, functional studies have not been reported for this variant. This variant has not been reported in individuals affected with MSH6-related disorders in the literature. This variant has not been identified in the general population by the Genome Aggregation Database (gnomAD). The available evidence is insufficient to determine the role of this variant in disease conclusively. Therefore, this variant is classified as a Variant of Uncertain Significance.

GeneDx
Classification: Uncertain significance. Last evaluated: 2015-04-29. Review status: criteria provided, single submitter. Criteria: GeneDx Variant Classification (06012015). Collection method: clinical testing. Allele origin: germline. Affected: yes.
Comment: This deletion of six nucleotides in MSH6 is denoted c.678_683delGAGTGA at the cDNA level and p.Ser227_Glu228del (S227_E228del) at the protein level. The normal sequence, with the bases that are deleted in braces, is TTGA[GAGTGA]AGAG. This in frame deletion occurs in a region which is conserved in mammals. The Ser227 residue is a phosphorylation site while Ser227_Glu228del is located in the N-terminal region of the MSH6 gene (Terui 2013, UniProt). This variant has not, to our knowledge, been published in the literature as pathogenic or benign. Since in frame deletions may or may not inhibit proper protein functioning, the clinical significance of this finding remains unclear at this time and we consider MSH6 Ser227_Glu228del to be a variant of uncertain significance.

NM_000179.3(MSH6):c.678_683del (p.Ser227_Glu228del)

Gene: MSH6 (mutS homolog 6; plus strand). Cytogenetic location: 2p16.3.
Variant type: Deletion.
Coding change: c.678_683del on transcript NM_000179.3 (MANE Select); coding-DNA positions 678 to 683, 6 bases deleted (GAGTGA; older notation c.678_683delGAGTGA).
Protein change: p.Ser227_Glu228del.
Molecular consequence: inframe deletion. On other transcripts: 5 prime UTR variant (2).
Genome position (GRCh38, 1-based): chr2:47,798,661-47,798,666, GAGTGA deleted; deleting any 6 consecutive bases within chr2:47,798,658-47,798,666 gives the same sequence; the c. name uses the placement nearest the transcript's 3' end. VCF-style (leftmost placement, unchanged base first): chr2-47798657-TTGAGAG-T. GRCh37 (hg19) VCF-style: chr2-48025796-TTGAGAG-T.
Other names: c.288_293del, p.Ser97_Glu98del (NM_001281492.2); c.-229_-224del (NM_001281493.2, NM_001281494.2); c.678_683delGAGTGA (NM_000179.2).
Identifiers: ClinVar variation 418962 (VCV000418962.3), dbSNP rs1064793553, ClinGen allele CA16617633.